The following is an entry in ClinVar:

NM_001482.3(GATM):c.271T>A (p.Phe91Ile)

Gene: GATM (glycine amidinotransferase; minus strand). Cytogenetic location: 15q21.1.
Variant type: single nucleotide variant.
Coding change: c.271T>A on transcript NM_001482.3 (MANE Select); coding-DNA position 271, T replaced by A.
Protein change: p.Phe91Ile; replaces phenylalanine 91 with isoleucine.
Molecular consequence: missense variant. On other transcripts: 5 prime UTR variant (1).
Genome position (GRCh38, 1-based): chr15:45,376,618, A>T on the plus strand (T>A on the coding strand, the complement: GATM is on the minus strand). VCF-style: chr15-45376618-A-T. GRCh37 (hg19) VCF-style: chr15-45668816-A-T.
Other names: c.-117T>A (NM_001321015.2); short protein forms F91I.
Identifiers: ClinVar variation 2805817 (VCV002805817.3), dbSNP rs2542005247, ClinGen allele CA392264911.
Genomic context (GRCh38, chr15:45,376,618, plus strand): 5'-AGGAGGGAGCGCACTTTCAGACATGTGAATAGCCTTCCTTTACCTTCACCTCGATGGTGA[A>T]CGGTGGAACACAGGCGTTTTCTGCTCTGCCCACTATCACTTCCTCTAAGGGGTCCCATTC-3'
Protein context (NP_001473.1, residues 81-101): GRAENACVPP[Phe91Ile]TIEVKANTYE

ClinVar aggregate classification (germline): Uncertain significance (1 of 4 stars; one submission).

Conditions:
Arginine:glycine amidinotransferase deficiency (CCDS3). Also called: L-Arginine:Glycine Amidinotransferase (AGAT) Deficiency; AGAT deficiency; L-Arginine:Glycine Amidinotransferase Deficiency; Cerebral creatine deficiency syndrome 3; Creatine deficiency syndrome due to AGAT deficiency; GATM deficiency. Identifiers: Orphanet 35704, MedGen C2675179, MONDO:0012996, OMIM 612718.

Submission:

Labcorp Genetics (formerly Invitae), Labcorp
Classification: Uncertain significance for Arginine:glycine amidinotransferase deficiency. Last evaluated: 2023-07-25. Review status: criteria provided, single submitter. Criteria: Invitae Variant Classification Sherloc (09022015). Collection method: clinical testing. Allele origin: germline.
Comment: This sequence change replaces phenylalanine, which is neutral and non-polar, with isoleucine, which is neutral and non-polar, at codon 91 of the GATM protein (p.Phe91Ile). This variant is not present in population databases (gnomAD no frequency). This variant has not been reported in the literature in individuals affected with GATM-related conditions. Advanced modeling of protein sequence and biophysical properties (such as structural, functional, and spatial information, amino acid conservation, physicochemical variation, residue mobility, and thermodynamic stability) performed at Invitae indicates that this missense variant is not expected to disrupt GATM protein function. In summary, the available evidence is currently insufficient to determine the role of this variant in disease. Therefore, it has been classified as a Variant of Uncertain Significance.